The following is an entry in ClinVar:

ClinVar aggregate classification (germline): Benign. Review status: criteria provided, multiple submitters, no conflicts (2 of 4 stars). 2 submissions from 2 submitters: Benign (2). Last evaluated 2018-06-18.

Allele frequency attached by ClinVar (database versions not stated): gnomAD 0.82045 and 0.82562; TOPMed 0.83186; gnomAD exomes 0.83763; 1000 Genomes Project 30x 0.87133; 1000 Genomes Project 0.87280.
gnomAD v4.1: 325,451 of 390,940 alleles (83%); highest among the groups gnomAD compares: East Asian, 100%; 135,901 homozygotes.

Submissions (2):

GeneDx
Classification: Benign. Last evaluated: 2018-06-18. Review status: criteria provided, single submitter. Criteria: GeneDx Variant Classification (06012015). Collection method: clinical testing. Allele origin: germline. Affected: yes.
Comment: This variant is considered likely benign or benign based on one or more of the following criteria: it is a conservative change, it occurs at a poorly conserved position in the protein, it is predicted to be benign by multiple in silico algorithms, and/or has population frequency not consistent with disease.

Breakthrough Genomics
Classification: Benign. Review status: criteria provided, single submitter. Criteria: ACMG Guidelines, 2015. Collection method: not provided. Allele origin: germline. Inheritance: Autosomal dominant inheritance. Affected: yes.

NM_001018005.2(TPM1):c.240+3941C>T

Genes: TPM1 (tropomyosin 1; plus strand), TPM1-AS (TPM1 antisense RNA; minus strand). Cytogenetic location: 15q22.2.
Variant type: single nucleotide variant.
Coding change: c.240+3941C>T on transcript NM_001018005.2 (MANE Select); 3941 bases into the intron after coding-DNA position 240, C replaced by T.
Molecular consequence: intron variant. On other transcripts: non-coding transcript variant (1).
Genome position (GRCh38, 1-based): chr15:63,048,093, C>T. VCF-style: chr15-63048093-C-T. GRCh37 (hg19) VCF-style: chr15-63340292-C-T.
Other names: c.366+3941C>T (NM_001365778.1); c.240+4262C>T (NM_001018020.2, NM_001018007.2, NM_001301244.2); c.240+3941C>T (NM_001018006.2, NM_001365776.1, NM_001018004.2 and 3 more transcripts).
Identifiers: ClinVar variation 684019 (VCV000684019.2), dbSNP rs4075584, ClinGen allele CA14133906.